The following is an entry in ClinVar:

NM_201384.3(PLEC):c.719-7C>T

Gene: PLEC (plectin; minus strand). Cytogenetic location: 8q24.3.
Variant type: single nucleotide variant.
Coding change: c.719-7C>T on transcript NM_201384.3 (MANE Select); 7 bases into the intron before coding-DNA position 719, C replaced by T.
Molecular consequence: intron variant.
Genome position (GRCh38, 1-based): chr8:143,935,124, G>A on the plus strand (C>T on the coding strand, the complement: PLEC is on the minus strand). VCF-style: chr8-143935124-G-A. GRCh37 (hg19) VCF-style: chr8-145009292-G-A.
Other names: c.800-7C>T (NM_000445.4, NM_001410941.1, NM_000445.5); c.677-7C>T (NM_201378.4); c.653-7C>T (NM_201379.3); c.1130-7C>T (NM_201380.4); c.623-7C>T (NM_201381.3); c.719-7C>T (NM_201382.4); c.731-7C>T (NM_201383.3).
Identifiers: ClinVar variation 2928749 (VCV002928749.4), dbSNP rs782208529, ClinGen allele CA4928333.

ClinVar aggregate classification (germline): Likely benign. Review status: criteria provided, multiple submitters, no conflicts (2 of 4 stars). 2 submissions from 2 submitters: Likely benign (2). Last evaluated 2026-07-18.

Conditions:
PLEC-related disorder. Also called: PLEC-related condition; PLEC-related disorders.
Epidermolysis bullosa simplex, Ogna type (EBS5A). Also called: Pidermolysis bullosa simplex 5A, Ogna type; EPIDERMOLYSIS BULLOSA SIMPLEX 5A, OGNA TYPE. Identifiers: Orphanet 79401, MedGen C0432317, MONDO:0007555, OMIM 131950.
Autosomal recessive limb-girdle muscular dystrophy type 2Q (LGMDR17). Also called: MUSCULAR DYSTROPHY, LIMB-GIRDLE, AUTOSOMAL RECESSIVE 17. Identifiers: Orphanet 254361, MedGen C3150989, MONDO:0013390, OMIM 613723.
Epidermolysis bullosa simplex with nail dystrophy (EBS5D). Identifiers: MedGen C4225309, MONDO:0014661, OMIM 616487.
Epidermolysis bullosa simplex 5C, with pyloric atresia (EBS5C). Also called: PLEC-Related Epidermolysis Bullosa with Pyloric Atresia; Epidermolysis bullosa simplex with pyloric atresia; PLEC1-Related Epidermolysis Bullosa with Pyloric Atresia. Identifiers: Orphanet 158684, MedGen C2677349, MONDO:0012807, OMIM 612138.
Epidermolysis bullosa simplex 5B, with muscular dystrophy (EBS5B). Also called: Epidermolysis bullosa simplex with muscular dystrophy; EPIDERMOLYSIS BULLOSA SIMPLEX AND LIMB-GIRDLE MUSCULAR DYSTROPHY. Identifiers: Orphanet 257, MedGen C2931072, MONDO:0009181, OMIM 226670.

Allele frequency attached by ClinVar (database versions not stated): TOPMed below 0.00001; ExAC 0.00001; gnomAD 0.00001; gnomAD exomes 0.00001.
gnomAD v4.1: 12 of 1,612,766 alleles (0.00074%); highest among the groups gnomAD compares: Admixed American, 0.0067%; no homozygotes.

Submissions (2):

PreventionGenetics, part of Exact Sciences
Classification: Likely benign for PLEC-related condition. Last evaluated: 2026-07-18. Review status: criteria provided, single submitter. Criteria: ACMG Guidelines, 2015. Collection method: clinical testing. Allele origin: germline.
Comment: This variant is classified as likely benign based on ACMG/AMP sequence variant interpretation guidelines (Richards et al. 2015 PMID: 25741868, with internal and published modifications).

Labcorp Genetics (formerly Invitae), Labcorp
Classification: Likely benign for Autosomal recessive limb-girdle muscular dystrophy type 2Q; Epidermolysis bullosa simplex, Ogna type; Epidermolysis bullosa simplex with nail dystrophy; Epidermolysis bullosa simplex 5C, with pyloric atresia; Epidermolysis bullosa simplex 5B, with muscular dystrophy. Last evaluated: 2025-06-10. Review status: criteria provided, single submitter. Criteria: Invitae Variant Classification Sherloc (09022015). Collection method: clinical testing. Allele origin: germline.